The following is an entry in ClinVar:

NM_022051.3(EGLN1):c.477G>T (p.Lys159Asn)

Gene: EGLN1 (egl-9 family hypoxia inducible factor 1; minus strand). Cytogenetic location: 1q42.2.
Variant type: single nucleotide variant.
Coding change: c.477G>T on transcript NM_022051.3 (MANE Select); coding-DNA position 477, G replaced by T.
Protein change: p.Lys159Asn; replaces lysine 159 with asparagine.
Molecular consequence: missense variant.
Genome position (GRCh38, 1-based): chr1:231,421,412, C>A on the plus strand (G>T on the coding strand, the complement: EGLN1 is on the minus strand). VCF-style: chr1-231421412-C-A. GRCh37 (hg19) VCF-style: chr1-231557158-C-A.
Other names: c.477G>T (NM_022051.2); c.477G>T, p.Lys159Asn (NM_001377260.1, NM_001377261.1); short protein forms K159N.
Identifiers: ClinVar variation 1351064 (VCV001351064.7), dbSNP rs766985056, ClinGen allele CA345236829.

ClinVar aggregate classification (germline): Uncertain significance. Review status: criteria provided, multiple submitters, no conflicts (2 of 4 stars). 2 submissions from 2 submitters: Uncertain significance (2). Last evaluated 2023-08-26.

Conditions:
Erythrocytosis, familial, 3 (ECYT3). Identifiers: Orphanet 247511, MedGen C1853286, MONDO:0012353, OMIM 609820.

Submissions (2):

Ambry Genetics
Classification: Uncertain significance. Last evaluated: 2023-08-26. Review status: criteria provided, single submitter. Criteria: Ambry Variant Classification Scheme 2023. Collection method: clinical testing. Allele origin: germline.
Comment: The p.K159N variant (also known as c.477G>T), located in coding exon 1 of the EGLN1 gene, results from a G to T substitution at nucleotide position 477. The lysine at codon 159 is replaced by asparagine, an amino acid with similar properties. This amino acid position is conserved. In addition, this alteration is predicted to be tolerated by in silico analysis. Since supporting evidence is limited at this time, the clinical significance of this alteration remains unclear.

Labcorp Genetics (formerly Invitae), Labcorp
Classification: Uncertain significance for Erythrocytosis, familial, 3. Last evaluated: 2021-11-12. Review status: criteria provided, single submitter. Criteria: Invitae Variant Classification Sherloc (09022015). Collection method: clinical testing. Allele origin: germline.
Comment: In summary, the available evidence is currently insufficient to determine the role of this variant in disease. Therefore, it has been classified as a Variant of Uncertain Significance. Algorithms developed to predict the effect of missense changes on protein structure and function are either unavailable or do not agree on the potential impact of this missense change (SIFT: "Deleterious"; PolyPhen-2: "Benign"; Align-GVGD: "Class C0"). This variant has not been reported in the literature in individuals affected with EGLN1-related conditions. This variant is not present in population databases (gnomAD no frequency). This sequence change replaces lysine, which is basic and polar, with asparagine, which is neutral and polar, at codon 159 of the EGLN1 protein (p.Lys159Asn).